The following is an entry in ClinVar:

ClinVar aggregate classification (germline): Likely pathogenic (1 of 4 stars; one submission).

Conditions:
Smith-Lemli-Opitz syndrome (SLOS). Also called: LETHAL ACRODYSGENITAL SYNDROME; POLYDACTYLY, SEX REVERSAL, RENAL HYPOPLASIA, AND UNILOBAR LUNG; RSH SYNDROME; RUTLEDGE LETHAL MULTIPLE CONGENITAL ANOMALY SYNDROME; 7-Dehydrocholesterol reductase deficiency. Identifiers: Orphanet 818, MedGen C0175694, MONDO:0010035, OMIM 270400.

Submission:

Natera, Inc.
Classification: Likely pathogenic for Smith-Lemli-Opitz syndrome. Last evaluated: 2024-06-11. Review status: criteria provided, single submitter. Criteria: Natera Variant Classification Schema (03/2026). Collection method: clinical testing. Allele origin: germline.
Comment: The c.670del variant in DHCR7 is a frameshift variant predicted to shift the reading frame beginning at codon 224 and leads to a stop codon 43 codons downstream. This variant is expected to result in nonsense mediated decay, truncation, or a dysfunctional protein product. This variant is rare in the general population with a frequency below the threshold expected for the associated phenotype(s). Given the available evidence, this variant is classified as Likely Pathogenic.

NM_001360.3(DHCR7):c.670del (p.Glu224fs)

Gene: DHCR7 (7-dehydrocholesterol reductase; minus strand). Cytogenetic location: 11q13.4.
Variant type: Deletion.
Coding change: c.670del on transcript NM_001360.3 (MANE Select); coding-DNA position 670, one base deleted (G; older notation c.670delG).
Protein change: p.Glu224fs; shifts the reading frame from glutamic acid 224.
Molecular consequence: frameshift variant.
Genome position (GRCh38, 1-based): chr11:71,439,040, C deleted on the plus strand (G on the coding strand, the reverse complement: DHCR7 is on the minus strand). VCF-style (leftmost placement, unchanged base first): chr11-71439039-TC-T. GRCh37 (hg19) VCF-style: chr11-71150085-TC-T.
Other names: c.670del, p.Glu224fs (NM_001425110.1, NM_001425111.1, NM_001425112.1 and 6 more transcripts); c.610del, p.Glu204fs (NM_001425113.1); c.721del, p.Glu241fs (NM_001425107.1); c.706del, p.Glu236fs (NM_001425108.1); c.670delG, p.Glu224Serfs (NM_001360.2); c.574del, p.Glu192fs (NM_001425114.1, NM_001425116.1); c.496del, p.Glu166fs (NM_001425117.1); short protein forms E166fs, E192fs, E204fs, E224fs, E236fs, E241fs.
Identifiers: ClinVar variation 4814834 (VCV004814834.1).